The following is an entry in ClinVar:

ClinVar aggregate classification (germline): Uncertain significance (1 of 4 stars; one submission).

Submission:

GeneDx
Classification: Uncertain significance. Last evaluated: 2023-06-30. Review status: criteria provided, single submitter. Criteria: GeneDx Variant Classification Process June 2021. Collection method: clinical testing. Allele origin: germline. Affected: yes.
Comment: Not observed at significant frequency in large population cohorts (gnomAD); In silico analysis supports that this missense variant has a deleterious effect on protein structure/function; Has not been previously published as pathogenic or benign to our knowledge

NM_000829.4(GRIA4):c.2318T>C (p.Leu773Ser)

Gene: GRIA4 (glutamate ionotropic receptor AMPA type subunit 4; plus strand). Cytogenetic location: 11q22.3.
Variant type: single nucleotide variant.
Coding change: c.2318T>C on transcript NM_000829.4 (MANE Select); coding-DNA position 2318, T replaced by C.
Protein change: p.Leu773Ser; replaces leucine 773 with serine.
Molecular consequence: missense variant. On other transcripts: non-coding transcript variant (1), intron variant (1).
Genome position (GRCh38, 1-based): chr11:105,971,937, T>C. VCF-style: chr11-105971937-T-C. GRCh37 (hg19) VCF-style: chr11-105842664-T-C.
Other names: c.2410-2373T>C (NM_001077243.3); short protein forms L773S.
Identifiers: ClinVar variation 3360713 (VCV003360713.1).